The following is an entry in ClinVar:

ClinVar aggregate classification (germline): Uncertain significance (1 of 4 stars; one submission).

Conditions:
Diamond-Blackfan anemia. Also called: Blackfan Diamond syndrome; Aregenerative anemia chronic congenital; Red cell aplasia, pure hereditary; Congenital hypoplastic anemia; Aase syndrome. Identifiers: Orphanet 124, MedGen C1260899, MeSH D029503, MONDO:0015253, HP:0004810.

gnomAD v4.1: 2 of 1,613,982 alleles (0.00012%); highest among the groups gnomAD compares: Admixed American, 0.0017%; no homozygotes.

Submission:

Labcorp Genetics (formerly Invitae), Labcorp
Classification: Uncertain significance for Diamond-Blackfan anemia. Last evaluated: 2025-04-15. Review status: criteria provided, single submitter. Criteria: Invitae Variant Classification Sherloc (09022015). Collection method: clinical testing. Allele origin: germline.
Comment: This sequence change replaces arginine, which is basic and polar, with histidine, which is basic and polar, at codon 95 of the RPS10 protein (p.Arg95His). This variant is not present in population databases (gnomAD no frequency). This variant has not been reported in the literature in individuals affected with RPS10-related conditions. An algorithm developed to predict the effect of missense changes on protein structure and function (PolyPhen-2) suggests that this variant is likely to be tolerated. In summary, the available evidence is currently insufficient to determine the role of this variant in disease. Therefore, it has been classified as a Variant of Uncertain Significance.

NM_001014.5(RPS10):c.284G>A (p.Arg95His)

Genes: RPS10 (ribosomal protein S10; minus strand), RPS10-NUDT3 (RPS10-NUDT3 readthrough; minus strand). Cytogenetic location: 6p21.31.
Variant type: single nucleotide variant.
Coding change: c.284G>A on transcript NM_001014.5 (MANE Select); coding-DNA position 284, G replaced by A.
Protein change: p.Arg95His; replaces arginine 95 with histidine.
Molecular consequence: missense variant.
Genome position (GRCh38, 1-based): chr6:34,424,707, C>T on the plus strand (G>A on the coding strand, the complement: RPS10 is on the minus strand). VCF-style: chr6-34424707-C-T. GRCh37 (hg19) VCF-style: chr6-34392484-C-T.
Other names: c.284G>A, p.Arg95His (NM_001202470.3, NM_001203245.3, NM_001204091.2); short protein forms R95H.
Identifiers: ClinVar variation 4743517 (VCV004743517.1).
Genomic context (GRCh38, chr6:34,424,707, plus strand): 5'-GGGATTTGTGTGGGAACCATACCTTTAGGCCGAGGCCTGCCAGTCTCTGGACGGCTACGG[C>T]GTAGGGTGGCAGGCACAATCTCCGGGGGCAGATGAAGGTAATCACGGAGATACTGGATAC-3'
Protein context (NP_001005.1, residues 85-105): LPPEIVPATL[Arg95His]RSRPETGRPR